The following is an entry in ClinVar:

NM_001127222.2(CACNA1A):c.3882G>C (p.Lys1294Asn)

Gene: CACNA1A (calcium voltage-gated channel subunit alpha1 A; minus strand). Cytogenetic location: 19p13.13.
Variant type: single nucleotide variant.
Coding change: c.3882G>C on transcript NM_001127222.2 (MANE Select); coding-DNA position 3882, G replaced by C.
Protein change: p.Lys1294Asn; replaces lysine 1294 with asparagine.
Molecular consequence: missense variant.
Genome position (GRCh38, 1-based): chr19:13,277,069, C>G on the plus strand (G>C on the coding strand, the complement: CACNA1A is on the minus strand). VCF-style: chr19-13277069-C-G. GRCh37 (hg19) VCF-style: chr19-13387883-C-G.
Other names: c.3894G>C, p.Lys1298Asn (NM_000068.4, NM_023035.3); c.3885G>C, p.Lys1295Asn (NM_001127221.2, NM_001174080.2); short protein forms K1294N, K1295N, K1298N.
Identifiers: ClinVar variation 4074388 (VCV004074388.1).

ClinVar aggregate classification (germline): Uncertain significance (1 of 4 stars; one submission).

Submission:

GeneDx
Classification: Uncertain significance. Last evaluated: 2025-02-06. Review status: criteria provided, single submitter. Criteria: GeneDx Variant Classification Process June 2021. Collection method: clinical testing. Allele origin: germline. Affected: yes.
Comment: Not observed at significant frequency in large population cohorts (gnomAD); In silico analysis supports that this missense variant has a deleterious effect on protein structure/function; In silico analysis suggests this variant may impact gene splicing. In the absence of RNA/functional studies, the actual effect of this sequence change is unknown.; Has not been previously published as pathogenic or benign to our knowledge